The following is an entry in ClinVar:

NM_020911.2(PLXNA4):c.2298+8G>A

Gene: PLXNA4 (plexin A4; minus strand). Cytogenetic location: 7q32.3.
Variant type: single nucleotide variant.
Coding change: c.2298+8G>A on transcript NM_020911.2 (MANE Select); 8 bases into the intron after coding-DNA position 2298, G replaced by A.
Molecular consequence: intron variant.
Genome position (GRCh38, 1-based): chr7:132,210,935, C>T on the plus strand (G>A on the coding strand, the complement: PLXNA4 is on the minus strand). VCF-style: chr7-132210935-C-T. GRCh37 (hg19) VCF-style: chr7-131895694-C-T.
Other names: c.2298+8G>A (NM_001393897.1).
Identifiers: ClinVar variation 3032210 (VCV003032210.2), dbSNP rs562004814, ClinGen allele CA4489847.

ClinVar aggregate classification (germline): Likely benign (0 of 4 stars; one submission).

Conditions:
PLXNA4-related disorder. Also called: PLXNA4-related condition.

Allele frequency attached by ClinVar (database versions not stated): ExAC 0.00003; gnomAD 0.00003; TOPMed 0.00004; 1000 Genomes Project 30x 0.00016; 1000 Genomes Project 0.00020.
gnomAD v4.1: 34 of 1,608,108 alleles (0.0021%); highest among the groups gnomAD compares: East Asian, 0.018%; no homozygotes.

Submission:

PreventionGenetics, part of Exact Sciences
Classification: Likely benign for PLXNA4-related condition. Last evaluated: 2021-08-11. Review status: no assertion criteria provided. Collection method: clinical testing. Allele origin: germline.
Comment: This variant is classified as likely benign based on ACMG/AMP sequence variant interpretation guidelines (Richards et al. 2015 PMID: 25741868, with internal and published modifications).